The following is an entry in ClinVar:

NM_001042432.2(CLN3):c.589C>G (p.Leu197Val)

Gene: CLN3 (CLN3 lysosomal/endosomal transmembrane protein, battenin; minus strand). Cytogenetic location: 16p12.1.
Variant type: single nucleotide variant.
Coding change: c.589C>G on transcript NM_001042432.2 (MANE Select); coding-DNA position 589, C replaced by G.
Protein change: p.Leu197Val; replaces leucine 197 with valine.
Molecular consequence: missense variant.
Genome position (GRCh38, 1-based): chr16:28,486,435, G>C on the plus strand (C>G on the coding strand, the complement: CLN3 is on the minus strand). VCF-style: chr16-28486435-G-C. GRCh37 (hg19) VCF-style: chr16-28497756-G-C.
Other names: c.589C>G, p.Leu197Val (NM_000086.2); c.517C>G, p.Leu173Val (NM_001286104.2); c.289C>G, p.Leu97Val (NM_001286105.2); c.355C>G, p.Leu119Val (NM_001286109.2); c.427C>G, p.Leu143Val (NM_001286110.2); short protein forms L173V, L143V, L97V, L119V, L197V.
Identifiers: ClinVar variation 1360142 (VCV001360142.9), dbSNP rs753705869, ClinGen allele CA395345340.
Genomic context (GRCh38, chr16:28,486,435, plus strand): 5'-GCATGGACAGCAGGGTCTGCTGAGGGGAGAGGCCGGCCTGGGTGAGGCCCAGGTAGGACA[G>C]GGCCCCCAGCAGCCCAGCTCCCCCAGTCCCTGAGGACCACCAGGAGATCACGGCCCTGGG-3'
Protein context (NP_001035897.1, residues 187-207): GTGGAGLLGA[Leu197Val]SYLGLTQAGL

ClinVar aggregate classification (germline): Uncertain significance. Review status: criteria provided, multiple submitters, no conflicts (2 of 4 stars). 2 submissions from 2 submitters: Uncertain significance (2). Last evaluated 2023-08-10.

Conditions:
Neuronal ceroid lipofuscinosis. Also called: Neuronal Ceroid Lipofuscinoses. Identifiers: Orphanet 216, Orphanet 79263, MedGen C0027877, MONDO:0016295. Disease mechanism: loss of function.

Submissions (2):

Labcorp Genetics (formerly Invitae), Labcorp
Classification: Uncertain significance for Neuronal ceroid lipofuscinosis. Last evaluated: 2023-08-10. Review status: criteria provided, single submitter. Criteria: Invitae Variant Classification Sherloc (09022015). Collection method: clinical testing. Allele origin: germline.
Comment: In summary, the available evidence is currently insufficient to determine the role of this variant in disease. Therefore, it has been classified as a Variant of Uncertain Significance. An algorithm developed to predict the effect of missense changes on protein structure and function (PolyPhen-2) suggests that this variant is likely to be tolerated. ClinVar contains an entry for this variant (Variation ID: 1360142). This variant has not been reported in the literature in individuals affected with CLN3-related conditions. This variant is not present in population databases (gnomAD no frequency). This sequence change replaces leucine, which is neutral and non-polar, with valine, which is neutral and non-polar, at codon 197 of the CLN3 protein (p.Leu197Val).

Blueprint Genetics
Classification: Uncertain significance. Last evaluated: 2021-09-08. Review status: criteria provided, single submitter. Criteria: ACMG Guidelines, 2015. Collection method: clinical testing. Allele origin: germline.